The following is an entry in ClinVar:

NM_004525.3(LRP2):c.9993A>G (p.Gln3331=)

Gene: LRP2 (LDL receptor related protein 2; minus strand). Cytogenetic location: 2q31.1.
Variant type: single nucleotide variant.
Coding change: c.9993A>G on transcript NM_004525.3 (MANE Select); coding-DNA position 9993, A replaced by G.
Protein change: p.Gln3331=; no amino-acid change (glutamine 3331 retained).
Molecular consequence: synonymous variant.
Genome position (GRCh38, 1-based): chr2:169,182,172, T>C on the plus strand (A>G on the coding strand, the complement: LRP2 is on the minus strand). VCF-style: chr2-169182172-T-C. GRCh37 (hg19) VCF-style: chr2-170038682-T-C.
Other names: c.9993A>G (NM_004525.2).
Identifiers: ClinVar variation 2966848 (VCV002966848.4), dbSNP rs1188846190, ClinGen allele CA429932484.

ClinVar aggregate classification (germline): Conflicting classifications of pathogenicity. Review status: criteria provided, conflicting classifications (1 of 4 stars). 2 submissions from 2 submitters: Uncertain significance (1); Likely benign (1). Last evaluated 2025-06-14.

Allele frequency attached by ClinVar (database versions not stated): gnomAD 0.00001; gnomAD exomes 0.00001.
gnomAD v4.1: 12 of 1,613,958 alleles (0.00074%); highest among the groups gnomAD compares: Non-Finnish European, 0.001%; no homozygotes.

Submissions (2):

GeneDx
Classification: Uncertain significance. Last evaluated: 2025-06-14. Review status: criteria provided, single submitter. Criteria: GeneDx Variant Classification Process June 2021. Collection method: clinical testing. Allele origin: germline. Affected: yes.
Comment: Not observed at significant frequency in large population cohorts (gnomAD); Has not been previously published as pathogenic or benign to our knowledge; In silico analysis suggests this variant may impact gene splicing. In the absence of RNA/functional studies, the actual effect of this sequence change is unknown.

Labcorp Genetics (formerly Invitae), Labcorp
Classification: Likely benign. Last evaluated: 2023-11-14. Review status: criteria provided, single submitter. Criteria: Invitae Variant Classification Sherloc (09022015). Collection method: clinical testing. Allele origin: germline.